The following is an entry in ClinVar:

NM_005228.5(EGFR):c.2754C>G (p.Ile918Met)

Gene: EGFR (epidermal growth factor receptor; plus strand). Cytogenetic location: 7p11.2.
Variant type: single nucleotide variant.
Coding change: c.2754C>G on transcript NM_005228.5 (MANE Select); coding-DNA position 2754, C replaced by G.
Protein change: p.Ile918Met; replaces isoleucine 918 with methionine.
Molecular consequence: missense variant.
Genome position (GRCh38, 1-based): chr7:55,198,769, C>G. VCF-style: chr7-55198769-C-G. GRCh37 (hg19) VCF-style: chr7-55266462-C-G.
Other names: c.2619C>G, p.Ile873Met (NM_001346897.2, NM_001346899.2); c.2754C>G, p.Ile918Met (NM_001346898.2); c.2595C>G, p.Ile865Met (NM_001346900.2); c.1953C>G, p.Ile651Met (NM_001346941.2); short protein forms I873M, I651M, I865M, I918M.
Identifiers: ClinVar variation 3657962 (VCV003657962.2).

ClinVar aggregate classification (germline): Uncertain significance (1 of 4 stars; one submission).

Conditions:
EGFR-related lung cancer (EGFR). Identifiers: MedGen CN130014.

gnomAD v4.1: 1 of 1,614,094 alleles (0.000062%); highest among the groups gnomAD compares: Non-Finnish European, 0.000085%; no homozygotes.

Submission:

Labcorp Genetics (formerly Invitae), Labcorp
Classification: Uncertain significance for EGFR-related lung cancer. Last evaluated: 2024-06-26. Review status: criteria provided, single submitter. Criteria: Invitae Variant Classification Sherloc (09022015). Collection method: clinical testing. Allele origin: germline.
Comment: This sequence change replaces isoleucine, which is neutral and non-polar, with methionine, which is neutral and non-polar, at codon 918 of the EGFR protein (p.Ile918Met). This variant is not present in population databases (gnomAD no frequency). This variant has not been reported in the literature in individuals affected with EGFR-related conditions. Advanced modeling of protein sequence and biophysical properties (such as structural, functional, and spatial information, amino acid conservation, physicochemical variation, residue mobility, and thermodynamic stability) performed at Invitae indicates that this missense variant is not expected to disrupt EGFR protein function with a negative predictive value of 80%. In summary, the available evidence is currently insufficient to determine the role of this variant in disease. Therefore, it has been classified as a Variant of Uncertain Significance.